The following is an entry in ClinVar:

NC_000022.10:g.(?_51061181)_(51066581_?)del

Gene: ARSA (arylsulfatase A; minus strand). Cytogenetic location: 22q13.33.
Variant type: Deletion.
Identifiers: ClinVar variation 3366423 (VCV003366423.1).

ClinVar aggregate classification (germline): Pathogenic (1 of 4 stars; one submission).

Conditions:
Metachromatic leukodystrophy (MLD). Also called: METACHROMATIC LEUKOENCEPHALOPATHY; SULFATIDE LIPIDOSIS; CEREBROSIDE SULFATASE DEFICIENCY; ARSA DEFICIENCY; Cerebral sclerosis diffuse metachromatic form; Arylsulfatase A Deficiency. Identifiers: Orphanet 512, MedGen C0023522, MONDO:0018868, OMIM 250100.

Submission:

Women's Health and Genetics/Laboratory Corporation of America, LabCorp
Classification: Pathogenic for Metachromatic leukodystrophy. Last evaluated: 2024-08-07. Review status: criteria provided, single submitter. Criteria: LabCorp Variant Classification Summary - May 2015. Collection method: clinical testing. Allele origin: germline.
Comment: Variant summary: The variant involves the deletion of exons 1-8 in the ARSA gene. A presumed nomenclature of c.(?_-374)_(*2392_?)del has been designated for the purposes of this classification. This deletion includes the entire coding sequence of the gene. As the exact proximal and distal breakpoints are unknown, it may extend beyond the annotated region of the gene to include other flanking genes. This whole gene deletion was absent in 21694 control chromosomes (gnomAD Structural Variants database). Deletion of ARSA gene has been reported in the literature in at least an individual affected with Metachromatic Leukodystrophy (example: Coulter-Mackie_1995). This individual had a de novo constitutional ring chromosome 22 of maternal origin deleted for the ARSA gene. The following publication has been ascertained in the context of this evaluation (PMID: 8558556). ClinVar contains an entry for this variant (Variation ID: 526831). Based on the evidence outlined above, the variant was classified as pathogenic.

Literature cited by the submitters: PubMed 8558556.